The following is an entry in ClinVar:

ClinVar aggregate classification (germline): Uncertain significance (1 of 4 stars; one submission).

Submission:

Labcorp Genetics (formerly Invitae), Labcorp
Classification: Uncertain significance. Last evaluated: 2021-12-25. Review status: criteria provided, single submitter. Criteria: Invitae Variant Classification Sherloc (09022015). Collection method: clinical testing. Allele origin: germline.
Comment: This variant has not been reported in the literature in individuals affected with ADCY10-related conditions. This variant is not present in population databases (gnomAD no frequency). This sequence change replaces proline, which is neutral and non-polar, with arginine, which is basic and polar, at codon 458 of the ADCY10 protein (p.Pro458Arg). Algorithms developed to predict the effect of missense changes on protein structure and function are either unavailable or do not agree on the potential impact of this missense change (SIFT: "Deleterious"; PolyPhen-2: "Probably Damaging"; Align-GVGD: "Class C0"). In summary, the available evidence is currently insufficient to determine the role of this variant in disease. Therefore, it has been classified as a Variant of Uncertain Significance.

NM_018417.6(ADCY10):c.1373C>G (p.Pro458Arg)

Genes: ADCY10 (adenylate cyclase 10; minus strand), DCAF6 (DDB1 and CUL4 associated factor 6; plus strand). Cytogenetic location: 1q24.2.
Variant type: single nucleotide variant.
Coding change: c.1373C>G on transcript NM_018417.6 (MANE Select); coding-DNA position 1373, C replaced by G.
Protein change: p.Pro458Arg; replaces proline 458 with arginine.
Molecular consequence: missense variant.
Genome position (GRCh38, 1-based): chr1:167,878,479, G>C on the plus strand (C>G on the coding strand, the complement: ADCY10 is on the minus strand). VCF-style: chr1-167878479-G-C. GRCh37 (hg19) VCF-style: chr1-167847717-G-C.
Other names: c.914C>G, p.Pro305Arg (NM_001167749.3); c.1097C>G, p.Pro366Arg (NM_001297772.2); short protein forms P366R, P458R, P305R.
Identifiers: ClinVar variation 2061074 (VCV002061074.4), dbSNP rs2525683740, ClinGen allele CA343097132.